The following is an entry in ClinVar:

ClinVar aggregate classification (germline): Uncertain significance (1 of 4 stars; one submission).

Conditions:
Progressive sclerosing poliodystrophy (MTDPS4A). Also called: ALPERS PROGRESSIVE INFANTILE POLIODYSTROPHY; ALPERS DIFFUSE DEGENERATION OF CEREBRAL GRAY MATTER WITH HEPATIC CIRRHOSIS; Alpers-Huttenlocher Syndrome; NEURONAL DEGENERATION OF CHILDHOOD WITH LIVER DISEASE, PROGRESSIVE; Alpers Syndrome; Mitochondrial DNA Depletion Syndrome 4A. Identifiers: Orphanet 726, MedGen C0205710, MONDO:0008758, OMIM 203700.

Allele frequency attached by ClinVar (database versions not stated): gnomAD exomes below 0.00001 and 0.00001; ExAC 0.00001.
gnomAD v4.1: 4 of 1,593,050 alleles (0.00025%); highest among the groups gnomAD compares: Middle Eastern, 0.017%; no homozygotes.

Submission:

Labcorp Genetics (formerly Invitae), Labcorp
Classification: Uncertain significance for Progressive sclerosing poliodystrophy. Last evaluated: 2024-06-29. Review status: criteria provided, single submitter. Criteria: Invitae Variant Classification Sherloc (09022015). Collection method: clinical testing. Allele origin: germline.
Comment: This sequence change replaces glutamine, which is neutral and polar, with lysine, which is basic and polar, at codon 50 of the POLG protein (p.Gln50Lys). The frequency data for this variant in the population databases is considered unreliable, as metrics indicate poor data quality at this position in the gnomAD database. This variant has not been reported in the literature in individuals affected with POLG-related conditions. ClinVar contains an entry for this variant (Variation ID: 1014954). Advanced modeling of protein sequence and biophysical properties (such as structural, functional, and spatial information, amino acid conservation, physicochemical variation, residue mobility, and thermodynamic stability) performed at Invitae indicates that this missense variant is not expected to disrupt POLG protein function with a negative predictive value of 95%. In summary, the available evidence is currently insufficient to determine the role of this variant in disease. Therefore, it has been classified as a Variant of Uncertain Significance.

NM_002693.3(POLG):c.148C>A (p.Gln50Lys)

Genes: POLG (DNA polymerase gamma, catalytic subunit; minus strand), POLGARF (POLG alternative reading frame; minus strand). Cytogenetic location: 15q26.1.
Variant type: single nucleotide variant.
Coding change: c.148C>A on transcript NM_002693.3 (MANE Select); coding-DNA position 148, C replaced by A.
Protein change: p.Gln50Lys; replaces glutamine 50 with lysine.
Molecular consequence: missense variant.
Genome position (GRCh38, 1-based): chr15:89,333,607, G>T on the plus strand (C>A on the coding strand, the complement: POLG is on the minus strand). VCF-style: chr15-89333607-G-T. GRCh37 (hg19) VCF-style: chr15-89876838-G-T.
Other names: c.148C>A, p.Gln50Lys (NM_001126131.2); short protein forms Q50K.
Identifiers: ClinVar variation 1014954 (VCV001014954.8), dbSNP rs752556685, ClinGen allele CA7725185.
Genomic context (GRCh38, chr15:89,333,607, plus strand): 5'-GCAGCTGCCCGCCCTCCGAGGATAGCACTTGCGGCTGCTGAGGCTGCTGTTGCTGCTGCT[G>T]CTGCTGCTGCTGCTGCTGCTGCCGCCGCCGCTGCCCGTCGCTGGGGTCGGACGCGGGGAC-3'
Protein context (NP_002684.1, residues 40-60): RRRQQQQQQQ[Gln50Lys]QQQQQPQQPQ